The following is an entry in ClinVar:

ClinVar aggregate classification (germline): Uncertain significance (1 of 4 stars; one submission).

Allele frequency attached by ClinVar (database versions not stated): ExAC 0.00001; gnomAD 0.00001; 1000 Genomes Project 30x 0.00016; 1000 Genomes Project 0.00020.
gnomAD v4.1: 6 of 1,611,526 alleles (0.00037%); highest among the groups gnomAD compares: Admixed American, 0.0017%; no homozygotes.

Submission:

Labcorp Genetics (formerly Invitae), Labcorp
Classification: Uncertain significance. Last evaluated: 2021-01-17. Review status: criteria provided, single submitter. Criteria: Invitae Variant Classification Sherloc (09022015). Collection method: clinical testing. Allele origin: germline.
Comment: This sequence change falls in intron 41 of the COL18A1 gene. It does not directly change the encoded amino acid sequence of the COL18A1 protein. It affects a nucleotide within the consensus splice site of the intron. This variant is present in population databases (rs553288348, ExAC 0.01%). This variant has not been reported in the literature in individuals with COL18A1-related conditions. Nucleotide substitutions within the consensus splice site are a relatively common cause of aberrant splicing (PMID: 17576681, 9536098). Experimental studies and prediction algorithms are not available or were not evaluated, and the effect of this variant on mRNA splicing is currently unknown. In summary, the available evidence is currently insufficient to determine the role of this variant in disease. Therefore, it has been classified as a Variant of Uncertain Significance.

Literature cited by the submitters: PubMed 17576681; PubMed 9536098.

NM_001379500.1(COL18A1):c.3810-3C>T

Genes: COL18A1 (collagen type XVIII alpha 1 chain; plus strand), SLC19A1 (solute carrier family 19 member 1; minus strand). Cytogenetic location: 21q22.3.
Variant type: single nucleotide variant.
Coding change: c.3810-3C>T on transcript NM_001379500.1 (MANE Select); 3 bases into the intron before coding-DNA position 3810, C replaced by T.
Molecular consequence: intron variant.
Genome position (GRCh38, 1-based): chr21:45,512,185, C>T. VCF-style: chr21-45512185-C-T. GRCh37 (hg19) VCF-style: chr21-46932099-C-T.
Other names: c.5055-3C>T (NM_130444.3); c.4350-3C>T (NM_030582.4).
Identifiers: ClinVar variation 1399074 (VCV001399074.1), dbSNP rs553288348, ClinGen allele CA10068102.